The following is an entry in ClinVar:

ClinVar aggregate classification (germline): Likely pathogenic (1 of 4 stars; one submission).

Conditions:
Joubert syndrome and related disorders. Identifiers: Orphanet 140874, MedGen C5679612, MONDO:0015369.

Submission:

Women's Health and Genetics/Laboratory Corporation of America, LabCorp
Classification: Likely pathogenic for Joubert syndrome and related disorders. Last evaluated: 2022-04-05. Review status: criteria provided, single submitter. Criteria: LabCorp Variant Classification Summary - May 2015. Collection method: clinical testing. Allele origin: germline.
Comment: Variant summary: INPP5E c.1608dupT (p.Asp537X) results in a premature termination codon, predicted to cause a truncation of the encoded protein or absence of the protein due to nonsense mediated decay, which are commonly known mechanisms for disease. Truncations downstream of this position have been reported in affected individuals (HGMD). The variant was absent in 250586 control chromosomes (gnomAD). To our knowledge, no occurrence of c.1608dupT in individuals affected with Joubert Syndrome and Related Disorders and no experimental evidence demonstrating its impact on protein function have been reported. No clinical diagnostic laboratories have submitted clinical-significance assessments for this variant to ClinVar after 2014. Based on the evidence outlined above, the variant was classified as likely pathogenic.

NM_019892.6(INPP5E):c.1608dup (p.Asp537Ter)

Gene: INPP5E (inositol polyphosphate-5-phosphatase E; minus strand). Cytogenetic location: 9q34.3.
Variant type: Duplication.
Coding change: c.1608dup on transcript NM_019892.6 (MANE Select); coding-DNA position 1608, one base duplicated (T; older notation c.1608dupT).
Protein change: p.Asp537Ter; replaces aspartic acid 537 with a stop codon.
Molecular consequence: nonsense.
Genome position (GRCh38, 1-based): chr9:136,431,059, A duplicated on the plus strand (T on the coding strand, the reverse complement: INPP5E is on the minus strand); the first of 3 consecutive A bases (chr9:136,431,059-136,431,061); duplicating any one gives the same sequence. VCF-style (leftmost placement, unchanged base first): chr9-136431058-C-CA. GRCh37 (hg19) VCF-style: chr9-139325510-C-CA.
Other names: c.1605dup, p.Asp536Ter (NM_001318502.2); short protein forms D536*, D537*.
Identifiers: ClinVar variation 1683369 (VCV001683369.1), dbSNP rs2131605715, ClinGen allele CA2573144376.